The following is an entry in ClinVar:

ClinVar aggregate classification (germline): Uncertain significance (1 of 4 stars; one submission).

Conditions:
Breast-ovarian cancer, familial, susceptibility to, 4. Identifiers: Orphanet 145, MedGen C3280345, MONDO:0013669, OMIM 614291.

Submission:

Labcorp Genetics (formerly Invitae), Labcorp
Classification: Uncertain significance for Breast-ovarian cancer, familial, susceptibility to, 4. Last evaluated: 2026-01-31. Review status: criteria provided, single submitter. Criteria: Invitae Variant Classification Sherloc (09022015). Collection method: clinical testing. Allele origin: germline.
Comment: This sequence change replaces leucine, which is neutral and non-polar, with proline, which is neutral and non-polar, at codon 216 of the RAD51D protein (p.Leu216Pro). This variant is not present in population databases (gnomAD no frequency). This variant has not been reported in the literature in individuals affected with RAD51D-related conditions. ClinVar contains an entry for this variant (Variation ID: 3674926). Invitae Evidence Modeling of protein sequence and biophysical properties (such as structural, functional, and spatial information, amino acid conservation, physicochemical variation, residue mobility, and thermodynamic stability) has been performed for this missense variant. However, the output from this modeling did not meet the statistical confidence thresholds required to predict the impact of this variant on RAD51D protein function. In summary, the available evidence is currently insufficient to determine the role of this variant in disease. Therefore, it has been classified as a Variant of Uncertain Significance.

NM_002878.4(RAD51D):c.647T>C (p.Leu216Pro)

Genes: RAD51L3-RFFL (RAD51L3-RFFL readthrough; minus strand), RAD51D (RAD51 paralog D; minus strand). Cytogenetic location: 17q12.
Variant type: single nucleotide variant.
Coding change: c.647T>C on transcript NM_002878.4 (MANE Select); coding-DNA position 647, T replaced by C.
Protein change: p.Leu216Pro; replaces leucine 216 with proline.
Molecular consequence: missense variant. On other transcripts: non-coding transcript variant (3).
Genome position (GRCh38, 1-based): chr17:35,103,474, A>G on the plus strand (T>C on the coding strand, the complement: RAD51D is on the minus strand). VCF-style: chr17-35103474-A-G. GRCh37 (hg19) VCF-style: chr17-33430493-A-G.
Other names: c.707T>C, p.Leu236Pro (NM_001142571.2); c.311T>C, p.Leu104Pro (NM_133629.3); short protein forms L216P, L104P, L236P.
Identifiers: ClinVar variation 3674926 (VCV003674926.2).
Genomic context (GRCh38, chr17:35,103,474, plus strand): 5'-GTCACATTCCACTGGCCCCAGGCTCTGCCACATCACTCACCTTCCCTCTGCTGACCTCCC[A>G]GAAGTGGGGAAACCACCGCAGTGACCGAGTCCACAACCACCACCTTCACAGTTCCTGAAG-3'
Protein context (NP_002869.3, residues 206-226): DSVTAVVSPL[Leu216Pro]GGQQREGLAL